The following is an entry in ClinVar:

ClinVar aggregate classification (germline): Uncertain significance. Review status: reviewed by expert panel (3 of 4 stars). 11 submissions from 11 submitters: Uncertain significance (1). 10 of the submissions do not count toward it. Last evaluated 2019-03-25.

Conditions:
Hereditary cancer-predisposing syndrome. Also called: Hereditary Cancer Syndrome; Hereditary neoplastic syndrome; Neoplastic Syndromes, Hereditary; Tumor predisposition. Identifiers: Orphanet 140162, MedGen C0027672, MeSH D009386, MONDO:0015356.
Breast-ovarian cancer, familial, susceptibility to, 1 (BROVCA1). Also called: BRCA1 Hereditary Breast and Ovarian Cancer; OVARIAN CANCER, SUSCEPTIBILITY TO. Identifiers: Orphanet 145, MedGen C2676676, MONDO:0011450, OMIM 604370. Disease mechanism: loss of function.
Hereditary breast ovarian cancer syndrome. Also called: BRCA1- and BRCA2-Associated Hereditary Breast and Ovarian Cancer; Hereditary breast and ovarian cancer syndrome; Hereditary breast and ovarian cancer syndrome (HBOC); Breast and ovarian cancer; Hereditary breast and/or ovarian cancer syndrome; Hereditary breast and ovarian cancer. Identifiers: Orphanet 145, MedGen C0677776, MeSH D061325, MONDO:0003582. Disease mechanism: loss of function.

Allele frequency attached by ClinVar (database versions not stated): TOPMed below 0.00001; gnomAD exomes below 0.00001.
gnomAD v4.1: 2 of 1,614,158 alleles (0.00012%); highest among the groups gnomAD compares: South Asian, 0.0011%; no homozygotes.

Submissions 1 to 5 of 12:

Evidence-based Network for the Interpretation of Germline Mutant Alleles (ENIGMA)
Classification: Uncertain significance for Breast-ovarian cancer, familial, susceptibility to, 1. Last evaluated: 2019-03-25. Review status: reviewed by expert panel. Criteria: ENIGMA BRCA1/2 Classification Criteria (2017-06-29). Collection method: curation. Allele origin: germline.
Comment: To our knowledge this variant has only been seen alone once, in a male control in gnomAD (South Asian population). Clinical evidence in Goldgar et al 2004 (PMID: 15290653) is not applicable unless this variant is observed in cis with c.5359T>A (Variation ID 55548). We recommend that if c.5363G>A is detected in an individual, presence of c.5359T>A should be assessed. Functional assay data analysis of the c.5363G>A variant suggests that it is unlikely to alter protein function alone, but that it does alter function when in combination with BRCA1 c.5359T>A (PMID: 30765603; 30209399). For more information see the haplotype entry BRCA1 c.[5359T>A;5363G>A] (Variant ID 624568).

Molecular Pathology, Peter Maccallum Cancer Centre
Classification: Uncertain significance for Breast-ovarian cancer, familial, susceptibility to, 1. Last evaluated: 2024-10-24. Review status: criteria provided, single submitter. Criteria: ACMG Guidelines, 2015. Collection method: clinical testing. Allele origin: germline. Inheritance: Autosomal dominant inheritance. Not counted in ClinVar's aggregate classification.

Lupski Lab, Baylor-Hopkins CMG, Baylor College of Medicine
Classification: Likely benign for Breast-ovarian cancer, familial, susceptibility to, 1. Last evaluated: 2024-04-12. Review status: criteria provided, single submitter. Criteria: Dawood et al. (medRxiv. 2024). Collection method: curation. Allele origin: germline. Not counted in ClinVar's aggregate classification.
Comment: Each variant was annotated with functional scores from MAVE data which was translated into functional evidence codes. All other evidence codes and combining criteria were adhered to as closely as possible based on the ClinGen VCEP (Variant Curation Expert Panel) gene-specific recommendations. See Supplemental Figure 34 of final paper (Supp Fig. 28 in preprint: doi:10.1101/2024.04.11.24305690) for a table to see which lines of evidence we did not have data for. The ClinGen VCEPs are highly regarded as the gold-standard for gene-specific variant curation and are developed after extensive evaluation of the evidence by clinical and scientific experts for the particular gene to classify genomic variants on a spectrum from pathogenic to benign using the 2015 ACMG/AMP Variant Interpretation Guidelines as a backbone (PMID: 25741868). Reclassification of these VUS variants from gnomAD or All of Us focused only on variants originally prescribed as VUS in ClinVar. To ensure reproducibility, transparency, and increased throughput, all the procedures for annotating variants and assigning evidence codes were codified using Python. All code has been made freely available and is linked in the Code Availability section and all reclassified variants with evidence codes used can be found in Tables S18-19 (preprint: doi:10.1101/2024.04.11.24305690). For the MAVE data, the clinical curation and clinical strength assignment as per the ClinGen recommendations in Brnich et al. (2020) (PMID: 31892348) for or against pathogenicity or benignity of each of these MAVE datasets utilized in this study were previously published in Fayer et al. (2021) (PMID: 34793697).In brief, for BRCA1 variants, if a variant was categorized as FUNC (functional), it was assigned BS3 evidence and no PS3 evidence, whereas if it was categorized as LOF (loss of function), the variant was assigned PS3 evidence and no BS3 evidence. Variants categorized as INT (intermediate) were left unannotated. For the BRCA1 combining criteria, greater than or equal to 1 criteria of strong benign evidence was enough to reclassify the VUS as Likely Benign. This variant GRCh37:17:41201181:C>T was assigned evidence codes ['BS3'] and an overall classification of Likely Benign

Ambry Genetics
Classification: Uncertain significance for Hereditary cancer-predisposing syndrome. Last evaluated: 2024-04-10. Review status: criteria provided, single submitter. Criteria: Ambry Variant Classification Scheme 2023. Collection method: clinical testing. Allele origin: germline. Not counted in ClinVar's aggregate classification.
Comment: The p.G1788D variant (also known as c.5363G>A), located in coding exon 20 of the BRCA1 gene, results from a G to A substitution at nucleotide position 5363. The glycine at codon 1788 is replaced by aspartic acid, an amino acid with similar properties. One functional study found that this nucleotide substitution is functional in a high-throughput, genome editing, haploid cell survival assay (Findlay GM et al. Nature, 2018 10;562:217-222). Conversely, this variant had 25.03% of wildtype activity in a transcription activation assay (Woods NT et al. NPJ Genom Med, 2016 Mar;1:). Based on internal structural assessment G1788 alterations are expected to cause general structural disruption of the BRCT domain (Clapperton JA et al. Nat Struct Mol Biol, 2004 Jun;11:512-8). This amino acid position is highly conserved in available vertebrate species. In addition, this alteration is predicted to be deleterious by in silico analysis. Based on the available evidence, the clinical significance of this variant remains unclear.

Color Diagnostics, LLC DBA Color Health
Classification: Uncertain significance for Hereditary cancer-predisposing syndrome. Last evaluated: 2023-04-25. Review status: criteria provided, single submitter. Criteria: ACMG Guidelines, 2015. Collection method: clinical testing. Allele origin: germline. Not counted in ClinVar's aggregate classification.
Comment: This missense variant replaces glycine with aspartic acid at codon 1788 of the BRCA1 protein. Computational prediction suggests that this variant may have deleterious impact on protein structure and function (internally defined REVEL score threshold >= 0.7, PMID: 27666373). Functional studies reported this variant as normal compared to wild-type control in transcription activation, haploid cell proliferation, protein stability and peptide binding assays (PMID: 20516115, 21447777, 30209399). This variant has been reported in cis with BRCA1 p.Cys1887Ser in several individuals and families affected with breast and/or ovarian cancer (PMID: 16030099, 18284688, 23233716, 25628955 , 26543556, 28959512). This variant has been observed in cis with BRCA1 p.Cys1787Ser and cosegregated with disease (PMID: 15290653, 25628955). A multifactorial analysis reported a likelihood ratio for pathogenicity based on case-control data of 0.04567 (PMID: 31131967). Other missense variants this codon (ClinVar variation ID: 37660, 55550, 531438) and codon 1787 (ClinVar variation ID: 662455) are considered likely disease-causing, suggesting that glycine or similar amino acid at this codon is important for the protein function. This variant has been identified in 1/251442 chromosomes in the general population by the Genome Aggregation Database (gnomAD). The available evidence is insufficient to determine the role of this variant in disease conclusively. Therefore, this variant is classified as a Variant of Uncertain Significance.

NM_007294.4(BRCA1):c.5363G>A (p.Gly1788Asp)

Gene: BRCA1 (BRCA1 DNA repair associated; minus strand). Cytogenetic location: 17q21.31.
Variant type: single nucleotide variant.
Coding change: c.5363G>A on transcript NM_007294.4 (MANE Select); coding-DNA position 5363, G replaced by A.
Protein change: p.Gly1788Asp; replaces glycine 1788 with aspartic acid.
Molecular consequence: missense variant. On other transcripts: non-coding transcript variant (1), intron variant (1).
Genome position (GRCh38, 1-based): chr17:43,049,164, C>T on the plus strand (G>A on the coding strand, the complement: BRCA1 is on the minus strand). VCF-style: chr17-43049164-C-T. GRCh37 (hg19) VCF-style: chr17-41201181-C-T.
Other names: 5482G>A; c.5363G>A, p.Gly1788Asp (NM_001407602.1, NM_001407603.1, NM_001407605.1 and 5 more transcripts); c.5360G>A, p.Gly1787Asp (NM_001407610.1, NM_001407611.1, NM_001407612.1 and 14 more transcripts); c.5357G>A, p.Gly1786Asp (NM_001407627.1, NM_001407628.1, NM_001407629.1 and 13 more transcripts); c.5240G>A, p.Gly1747Asp (NM_001407667.1, NM_001407668.1, NM_001407669.1 and 3 more transcripts); c.5237G>A, p.Gly1746Asp (NM_001407670.1, NM_001407671.1, NM_001407672.1 and 8 more transcripts); c.5234G>A, p.Gly1745Asp (NM_001407687.1, NM_001407688.1, NM_001407689.1 and 5 more transcripts); c.5231G>A, p.Gly1744Asp (NM_001407690.1, NM_001407691.1); and 74 more; short protein forms G1788D, G684D, G1809D, G1741D, G1491D, G1676D, G1698D, G1717D.
Identifiers: ClinVar variation 55551 (VCV000055551.20), dbSNP rs80357069, ClinGen allele CA003529.